The following is an entry in ClinVar:

NM_001378457.1(DMXL2):c.1807A>G (p.Met603Val)

Gene: DMXL2 (Dmx like 2; minus strand). Cytogenetic location: 15q21.2.
Variant type: single nucleotide variant.
Coding change: c.1807A>G on transcript NM_001378457.1 (MANE Select); coding-DNA position 1807, A replaced by G.
Protein change: p.Met603Val; replaces methionine 603 with valine.
Molecular consequence: missense variant. On other transcripts: non-coding transcript variant (2).
Genome position (GRCh38, 1-based): chr15:51,536,673, T>C on the plus strand (A>G on the coding strand, the complement: DMXL2 is on the minus strand). VCF-style: chr15-51536673-T-C. GRCh37 (hg19) VCF-style: chr15-51828870-T-C.
Other names: c.1807A>G, p.Met603Val (NM_001174116.3, NM_001174117.3, NM_001378458.1 and 6 more transcripts); c.1567A>G, p.Met523Val (NM_001378464.1); c.1807A>G (NM_001174116.1); short protein forms M523V, M603V.
Identifiers: ClinVar variation 2181479 (VCV002181479.2), dbSNP rs374643669, ClinGen allele CA7562500.

ClinVar aggregate classification (germline): Uncertain significance. Review status: criteria provided, multiple submitters, no conflicts (2 of 4 stars). 2 submissions from 2 submitters: Uncertain significance (2). Last evaluated 2025-04-24.

Conditions:
Inborn genetic diseases. Identifiers: MedGen C0950123, MeSH D030342.

Allele frequency attached by ClinVar (database versions not stated): gnomAD 0.00001; ExAC 0.00002; ESP Exome Variant Server 0.00008; gnomAD exomes 0.00001; TOPMed 0.00003.
gnomAD v4.1: 16 of 1,614,012 alleles (0.00099%); highest among the groups gnomAD compares: Non-Finnish European, 0.0013%; no homozygotes.

Submissions (2):

Ambry Genetics
Classification: Uncertain significance for Inborn genetic diseases. Last evaluated: 2025-04-24. Review status: criteria provided, single submitter. Criteria: Ambry Variant Classification Scheme 2023. Collection method: clinical testing. Allele origin: germline.

Labcorp Genetics (formerly Invitae), Labcorp
Classification: Uncertain significance. Last evaluated: 2022-06-29. Review status: criteria provided, single submitter. Criteria: Invitae Variant Classification Sherloc (09022015). Collection method: clinical testing. Allele origin: germline.
Comment: This sequence change replaces methionine, which is neutral and non-polar, with valine, which is neutral and non-polar, at codon 603 of the DMXL2 protein (p.Met603Val). This variant is present in population databases (rs374643669, gnomAD 0.004%). This variant has not been reported in the literature in individuals affected with DMXL2-related conditions. Algorithms developed to predict the effect of missense changes on protein structure and function output the following: SIFT: "Tolerated"; PolyPhen-2: "Benign"; Align-GVGD: "Class C0". The valine amino acid residue is found in multiple mammalian species, which suggests that this missense change does not adversely affect protein function. In summary, the available evidence is currently insufficient to determine the role of this variant in disease. Therefore, it has been classified as a Variant of Uncertain Significance.